The following is an entry in ClinVar:

NM_003664.5(AP3B1):c.1648C>G (p.Gln550Glu)

Gene: AP3B1 (adaptor related protein complex 3 subunit beta 1; minus strand). Cytogenetic location: 5q14.1.
Variant type: single nucleotide variant.
Coding change: c.1648C>G on transcript NM_003664.5 (MANE Select); coding-DNA position 1648, C replaced by G.
Protein change: p.Gln550Glu; replaces glutamine 550 with glutamic acid.
Molecular consequence: missense variant.
Genome position (GRCh38, 1-based): chr5:78,141,145, G>C on the plus strand (C>G on the coding strand, the complement: AP3B1 is on the minus strand). VCF-style: chr5-78141145-G-C. GRCh37 (hg19) VCF-style: chr5-77436969-G-C.
Other names: c.1501C>G, p.Gln501Glu (NM_001271769.2); short protein forms Q550E, Q501E.
Identifiers: ClinVar variation 1402716 (VCV001402716.8), dbSNP rs1384754808, ClinGen allele CA360188720.

ClinVar aggregate classification (germline): Uncertain significance (1 of 4 stars; one submission).

Conditions:
Hermansky-Pudlak syndrome 2 (HPS2). Also called: Platelet defects and oculocutaneous albinism. Identifiers: Orphanet 183678, Orphanet 79430, MedGen C1842362, MONDO:0011997, OMIM 608233.

Allele frequency attached by ClinVar (database versions not stated): gnomAD exomes below 0.00001; gnomAD 0.00001; TOPMed 0.00001.
gnomAD v4.1: 4 of 1,613,170 alleles (0.00025%); highest among the groups gnomAD compares: African/African-American, 0.0027%; no homozygotes.

Submission:

Labcorp Genetics (formerly Invitae), Labcorp
Classification: Uncertain significance for Hermansky-Pudlak syndrome 2. Last evaluated: 2022-08-31. Review status: criteria provided, single submitter. Criteria: Invitae Variant Classification Sherloc (09022015). Collection method: clinical testing. Allele origin: germline.
Comment: Algorithms developed to predict the effect of missense changes on protein structure and function are either unavailable or do not agree on the potential impact of this missense change (SIFT: "Tolerated"; PolyPhen-2: "Possibly Damaging"; Align-GVGD: "Class C0"). ClinVar contains an entry for this variant (Variation ID: 1402716). This variant has not been reported in the literature in individuals affected with AP3B1-related conditions. This variant is present in population databases (no rsID available, gnomAD 0.007%). This sequence change replaces glutamine, which is neutral and polar, with glutamic acid, which is acidic and polar, at codon 550 of the AP3B1 protein (p.Gln550Glu). Algorithms developed to predict the effect of sequence changes on RNA splicing suggest that this variant may create or strengthen a splice site. In summary, the available evidence is currently insufficient to determine the role of this variant in disease. Therefore, it has been classified as a Variant of Uncertain Significance.